The following is an entry in ClinVar:

ClinVar aggregate classification (germline): Uncertain significance (1 of 4 stars; one submission).

Conditions:
Oligodontia-cancer predisposition syndrome. Also called: TOOTH AGENESIS-COLORECTAL CANCER SYNDROME. Identifiers: Orphanet 300576, MedGen C1837750, MONDO:0012075, OMIM 608615. Disease mechanism: loss of function.

Submission:

Labcorp Genetics (formerly Invitae), Labcorp
Classification: Uncertain significance for Oligodontia-cancer predisposition syndrome. Last evaluated: 2021-09-15. Review status: criteria provided, single submitter. Criteria: Invitae Variant Classification Sherloc (09022015). Collection method: clinical testing. Allele origin: germline.
Comment: In summary, the available evidence is currently insufficient to determine the role of this variant in disease. Therefore, it has been classified as a Variant of Uncertain Significance. Algorithms developed to predict the effect of missense changes on protein structure and function are either unavailable or do not agree on the potential impact of this missense change (SIFT: "Tolerated"; PolyPhen-2: "Probably Damaging"; Align-GVGD: "Class C0"). This variant has not been reported in the literature in individuals affected with AXIN2-related conditions. This variant is not present in population databases (ExAC no frequency). This sequence change replaces glutamic acid with aspartic acid at codon 233 of the AXIN2 protein (p.Glu233Asp). The glutamic acid residue is highly conserved and there is a small physicochemical difference between glutamic acid and aspartic acid.

NM_004655.4(AXIN2):c.699G>C (p.Glu233Asp)

Gene: AXIN2 (axin 2; minus strand). Cytogenetic location: 17q24.1.
Variant type: single nucleotide variant.
Coding change: c.699G>C on transcript NM_004655.4 (MANE Select); coding-DNA position 699, G replaced by C.
Protein change: p.Glu233Asp; replaces glutamic acid 233 with aspartic acid.
Molecular consequence: missense variant.
Genome position (GRCh38, 1-based): chr17:65,557,922, C>G on the plus strand (G>C on the coding strand, the complement: AXIN2 is on the minus strand). VCF-style: chr17-65557922-C-G. GRCh37 (hg19) VCF-style: chr17-63554040-C-G.
Other names: c.699G>C, p.Glu233Asp (NM_001363813.1); short protein forms E233D.
Identifiers: ClinVar variation 1474960 (VCV001474960.6), dbSNP rs1212787166, ClinGen allele CA400680460.